The following is an entry in ClinVar:

ClinVar aggregate classification (germline): Benign/Likely benign. Review status: criteria provided, multiple submitters, no conflicts (2 of 4 stars). 6 submissions from 5 submitters: Benign (3); Likely benign (2). 1 of the submissions does not count toward it. Last evaluated 2025-12-03.

Conditions:
SYNE1-related disorder. Also called: SYNE1-related disorders; SYNE1-related disease; SYNE1-related condition.
Autosomal recessive ataxia, Beauce type. Also called: SYNE1 Deficiency; SYNE1-Related Autosomal Recessive Cerebellar Ataxia; Spinocerebellar ataxia, autosomal recessive 8; ATAXIA, RECESSIVE, OF BEAUCE. Identifiers: Orphanet 88644, MedGen C1853116, MONDO:0012549, OMIM 610743.
Emery-Dreifuss muscular dystrophy 4, autosomal dominant (EDMD4). Also called: EMERY-DREIFUSS MUSCULAR DYSTROPHY 4 WITH VARIABLE FEATURES. Identifiers: Orphanet 261, MedGen C2751807, MONDO:0013071, OMIM 612998.

Allele frequency attached by ClinVar (database versions not stated): gnomAD 0.00024 and 0.00035; TOPMed 0.00034; ExAC 0.00035; gnomAD exomes 0.00041; 1000 Genomes Project 0.00100; 1000 Genomes Project 30x 0.00125.
gnomAD v4.1: 289 of 1,590,538 alleles (0.018%); highest among the groups gnomAD compares: East Asian, 0.45%; 1 homozygote.

Submissions (6):

Labcorp Genetics (formerly Invitae), Labcorp
Classification: Likely benign for Emery-Dreifuss muscular dystrophy 4, autosomal dominant; Autosomal recessive ataxia, Beauce type. Last evaluated: 2025-12-03. Review status: criteria provided, single submitter. Criteria: Invitae Variant Classification Sherloc (09022015). Collection method: clinical testing. Allele origin: germline.

Mayo Clinic Laboratories, Mayo Clinic
Classification: Benign. Last evaluated: 2024-10-31. Review status: criteria provided, single submitter. Criteria: ACMG Guidelines, 2015. Collection method: clinical testing. Allele origin: germline. Observed: 1 variant allele.
Comment: BA1, BP4

Athena Diagnostics
Classification: Benign. Last evaluated: 2021-02-26. Review status: criteria provided, single submitter. Criteria: Athena Diagnostics criteria. Collection method: clinical testing. Allele origin: unknown.

Illumina Laboratory Services, Illumina
Classification: Likely benign for Autosomal recessive ataxia, Beauce type. Last evaluated: 2018-01-12. Review status: criteria provided, single submitter. Criteria: ICSL Variant Classification Criteria 13 December 2019. Collection method: clinical testing. Allele origin: germline.
Comment: This variant was observed in the ICSL laboratory as part of a predisposition screen in an ostensibly healthy population. It had not been previously curated by ICSL or reported in the Human Gene Mutation Database (HGMD: prior to June 1st, 2018), and was therefore a candidate for classification through an automated scoring system. Utilizing variant allele frequency, disease prevalence and penetrance estimates, and inheritance mode, an automated score was calculated to assess if this variant is too frequent to cause the disease. Based on the score and internal cut-off values, a variant classified as likely benign is not then subjected to further curation. The score for this variant resulted in a classification of likely benign for this disease.

Illumina Laboratory Services, Illumina
Classification: Benign for Emery-Dreifuss muscular dystrophy 4, autosomal dominant. Last evaluated: 2018-01-12. Review status: criteria provided, single submitter. Criteria: ICSL Variant Classification Criteria 13 December 2019. Collection method: clinical testing. Allele origin: germline.
Comment: This variant was observed in the ICSL laboratory as part of a predisposition screen in an ostensibly healthy population. It had not been previously curated by ICSL or reported in the Human Gene Mutation Database (HGMD: prior to June 1st, 2018), and was therefore a candidate for classification through an automated scoring system. Utilizing variant allele frequency, disease prevalence and penetrance estimates, and inheritance mode, an automated score was calculated to assess if this variant is too frequent to cause the disease. Based on the score and internal cut-off values, a variant classified as benign is not then subjected to further curation. The score for this variant resulted in a classification of benign for this disease.

PreventionGenetics, part of Exact Sciences
Classification: Benign for SYNE1-related condition. Last evaluated: 2021-03-04. Review status: no assertion criteria provided. Collection method: clinical testing. Allele origin: germline. Not counted in ClinVar's aggregate classification.
Comment: This variant is classified as benign based on ACMG/AMP sequence variant interpretation guidelines (Richards et al. 2015 PMID: 25741868, with internal and published modifications).

NM_182961.4(SYNE1):c.17867G>A (p.Arg5956His)

Gene: SYNE1 (spectrin repeat containing nuclear envelope protein 1; minus strand). Cytogenetic location: 6q25.2.
Variant type: single nucleotide variant.
Coding change: c.17867G>A on transcript NM_182961.4 (MANE Select); coding-DNA position 17867, G replaced by A.
Protein change: p.Arg5956His; replaces arginine 5956 with histidine.
Molecular consequence: missense variant.
Genome position (GRCh38, 1-based): chr6:152,293,733, C>T on the plus strand (G>A on the coding strand, the complement: SYNE1 is on the minus strand). VCF-style: chr6-152293733-C-T. GRCh37 (hg19) VCF-style: chr6-152614868-C-T.
Other names: p.Arg5885His; c.17654G>A, p.Arg5885His (NM_033071.5); short protein forms R5885H, R5956H.
Identifiers: ClinVar variation 355852 (VCV000355852.17), dbSNP rs80265744, ClinGen allele CA4055102.